The following is an entry in ClinVar:

ClinVar aggregate classification (germline): Benign (1 of 4 stars; one submission).

Conditions:
Familial cancer of breast. Also called: BREAST CANCER, FAMILIAL; Hereditary breast cancer; hereditary breast carcinoma. Identifiers: Orphanet 227535, MedGen C0346153, MONDO:0016419, OMIM 114480. Disease mechanism: loss of function.

Submission:

Myriad Genetics, Inc.
Classification: Benign for Familial cancer of breast. Last evaluated: 2024-05-09. Review status: criteria provided, single submitter. Criteria: Myriad Autosomal Dominant, Autosomal Recessive and X-Linked Classification Criteria (2023). Collection method: clinical testing. Allele origin: unknown.
Comment: This variant is considered benign. This variant is intronic and is not expected to impact mRNA splicing.

NM_000051.4(ATM):c.2467-27_2467-19del

Gene: ATM (ATM serine/threonine kinase; plus strand). Cytogenetic location: 11q22.3.
Variant type: Deletion.
Coding change: c.2467-27_2467-19del on transcript NM_000051.4 (MANE Select); 27 bases into the intron before coding-DNA position 2467 through 19 bases into the intron before coding-DNA position 2467, 9 bases deleted (GAACATCTT; older notation c.2467-27_2467-19delGAACATCTT).
Molecular consequence: intron variant.
Genome position (GRCh38, 1-based): chr11:108,267,144-108,267,152, GAACATCTT deleted; deleting any 9 consecutive bases within chr11:108,267,138-108,267,152 gives the same sequence; the c. name uses the placement nearest the transcript's 3' end. VCF-style (leftmost placement, unchanged base first): chr11-108267137-CCATCTTGAA-C. GRCh37 (hg19) VCF-style: chr11-108137864-CCATCTTGAA-C.
Other names: c.2467-27_2467-19del (NM_001351834.2).
Identifiers: ClinVar variation 3254229 (VCV003254229.1), dbSNP rs2497587739.